The following is an entry in ClinVar:

ClinVar aggregate classification (germline): Uncertain significance (1 of 4 stars; one submission).

Submission:

Labcorp Genetics (formerly Invitae), Labcorp
Classification: Uncertain significance. Last evaluated: 2022-07-08. Review status: criteria provided, single submitter. Criteria: Invitae Variant Classification Sherloc (09022015). Collection method: clinical testing. Allele origin: germline.
Comment: This sequence change replaces isoleucine, which is neutral and non-polar, with methionine, which is neutral and non-polar, at codon 3006 of the ASPM protein (p.Ile3006Met). This variant is not present in population databases (gnomAD no frequency). In summary, the available evidence is currently insufficient to determine the role of this variant in disease. Therefore, it has been classified as a Variant of Uncertain Significance. Algorithms developed to predict the effect of missense changes on protein structure and function (SIFT, PolyPhen-2, Align-GVGD) all suggest that this variant is likely to be tolerated. This variant has not been reported in the literature in individuals affected with ASPM-related conditions.

NM_018136.5(ASPM):c.9018C>G (p.Ile3006Met)

Gene: ASPM (assembly factor for spindle microtubules; minus strand). Cytogenetic location: 1q31.3.
Variant type: single nucleotide variant.
Coding change: c.9018C>G on transcript NM_018136.5 (MANE Select); coding-DNA position 9018, C replaced by G.
Protein change: p.Ile3006Met; replaces isoleucine 3006 with methionine.
Molecular consequence: missense variant.
Genome position (GRCh38, 1-based): chr1:197,094,150, G>C on the plus strand (C>G on the coding strand, the complement: ASPM is on the minus strand). VCF-style: chr1-197094150-G-C. GRCh37 (hg19) VCF-style: chr1-197063280-G-C.
Other names: c.4263C>G, p.Ile1421Met (NM_001206846.2); short protein forms I1421M, I3006M.
Identifiers: ClinVar variation 2015010 (VCV002015010.4), dbSNP rs2527272829, ClinGen allele CA344009142.